The following is an entry in ClinVar:

NM_002234.4(KCNA5):c.269G>T (p.Arg90Leu)

Gene: KCNA5 (potassium voltage-gated channel subfamily A member 5; plus strand). Cytogenetic location: 12p13.32.
Variant type: single nucleotide variant.
Coding change: c.269G>T on transcript NM_002234.4 (MANE Select); coding-DNA position 269, G replaced by T.
Protein change: p.Arg90Leu; replaces arginine 90 with leucine.
Molecular consequence: missense variant.
Genome position (GRCh38, 1-based): chr12:5,044,416, G>T. VCF-style: chr12-5044416-G-T. GRCh37 (hg19) VCF-style: chr12-5153582-G-T.
Other names: c.269G>T (NM_002234.2); short protein forms R90L.
Identifiers: ClinVar variation 2081242 (VCV002081242.5), dbSNP rs1167175302, ClinGen allele CA383462215.

ClinVar aggregate classification (germline): Uncertain significance. Review status: criteria provided, multiple submitters, no conflicts (2 of 4 stars). 2 submissions from 2 submitters: Uncertain significance (2). Last evaluated 2025-11-21.

Conditions:
Atrial fibrillation, familial, 7 (ATFB7). Identifiers: MedGen C2677106, MONDO:0012828, OMIM 612240.
Inborn genetic diseases. Identifiers: MedGen C0950123, MeSH D030342.

Allele frequency attached by ClinVar (database versions not stated): gnomAD exomes below 0.00001; TOPMed below 0.00001.

Submissions (2):

Ambry Genetics
Classification: Uncertain significance for Inborn genetic diseases. Last evaluated: 2025-11-21. Review status: criteria provided, single submitter. Criteria: Ambry Variant Classification Scheme 2023. Collection method: clinical testing. Allele origin: germline.

Labcorp Genetics (formerly Invitae), Labcorp
Classification: Uncertain significance for Atrial fibrillation, familial, 7. Last evaluated: 2022-12-06. Review status: criteria provided, single submitter. Criteria: Invitae Variant Classification Sherloc (09022015). Collection method: clinical testing. Allele origin: germline.
Comment: In summary, the available evidence is currently insufficient to determine the role of this variant in disease. Therefore, it has been classified as a Variant of Uncertain Significance. Algorithms developed to predict the effect of missense changes on protein structure and function (SIFT, PolyPhen-2, Align-GVGD) all suggest that this variant is likely to be tolerated. This variant has not been reported in the literature in individuals affected with KCNA5-related conditions. This variant is present in population databases (no rsID available, gnomAD 0.003%). This sequence change replaces arginine, which is basic and polar, with leucine, which is neutral and non-polar, at codon 90 of the KCNA5 protein (p.Arg90Leu).